The following is an entry in ClinVar:

NM_001382391.1(CSPP1):c.2267A>G (p.Glu756Gly)

Gene: CSPP1 (centrosome and spindle pole associated protein 1; plus strand). Cytogenetic location: 8q13.2.
Variant type: single nucleotide variant.
Coding change: c.2267A>G on transcript NM_001382391.1 (MANE Select); coding-DNA position 2267, A replaced by G.
Protein change: p.Glu756Gly; replaces glutamic acid 756 with glycine.
Molecular consequence: missense variant.
Genome position (GRCh38, 1-based): chr8:67,158,472, A>G. VCF-style: chr8-67158472-A-G. GRCh37 (hg19) VCF-style: chr8-68070707-A-G.
Other names: c.1217A>G, p.Glu406Gly (NM_001291339.2); c.2186A>G, p.Glu729Gly (NM_001363131.2); c.2072A>G, p.Glu691Gly (NM_001363132.2); c.1991A>G, p.Glu664Gly (NM_001363133.2); c.2333A>G, p.Glu778Gly (NM_001364869.1); c.2153A>G, p.Glu718Gly (NM_001364870.1); c.2252A>G, p.Glu751Gly (NM_024790.7); short protein forms E756G, E406G, E718G, E664G, E729G, E691G, E751G, E778G.
Identifiers: ClinVar variation 1488114 (VCV001488114.9), dbSNP rs559765139, ClinGen allele CA4770796.

ClinVar aggregate classification (germline): Uncertain significance. Review status: criteria provided, multiple submitters, no conflicts (2 of 4 stars). 2 submissions from 2 submitters: Uncertain significance (2). Last evaluated 2024-08-20.

Conditions:
Inborn genetic diseases. Identifiers: MedGen C0950123, MeSH D030342.
Joubert syndrome 21 (JBTS21). Identifiers: MedGen C3810212, MONDO:0014288, OMIM 615636.

Allele frequency attached by ClinVar (database versions not stated): gnomAD exomes 0.00001 and 0.00002; TOPMed 0.00002; ExAC 0.00003; gnomAD 0.00005; 1000 Genomes Project 30x 0.00016; 1000 Genomes Project 0.00020.
gnomAD v4.1: 12 of 1,608,380 alleles (0.00075%); highest among the groups gnomAD compares: African/African-American, 0.016%; no homozygotes.

Submissions (2):

Ambry Genetics
Classification: Uncertain significance for Inborn genetic diseases. Last evaluated: 2024-08-20. Review status: criteria provided, single submitter. Criteria: Ambry Variant Classification Scheme 2023. Collection method: clinical testing. Allele origin: germline.

Labcorp Genetics (formerly Invitae), Labcorp
Classification: Uncertain significance for Joubert syndrome 21. Last evaluated: 2022-03-10. Review status: criteria provided, single submitter. Criteria: Invitae Variant Classification Sherloc (09022015). Collection method: clinical testing. Allele origin: germline.
Comment: This sequence change replaces glutamic acid, which is acidic and polar, with glycine, which is neutral and non-polar, at codon 751 of the CSPP1 protein (p.Glu751Gly). This variant is present in population databases (rs559765139, gnomAD 0.03%). This variant has not been reported in the literature in individuals affected with CSPP1-related conditions. Algorithms developed to predict the effect of missense changes on protein structure and function are either unavailable or do not agree on the potential impact of this missense change (SIFT: "Tolerated"; PolyPhen-2: "Probably Damaging"; Align-GVGD: "Class C0"). In summary, the available evidence is currently insufficient to determine the role of this variant in disease. Therefore, it has been classified as a Variant of Uncertain Significance.